The following is an entry in ClinVar:

NM_014251.3(SLC25A13):c.1895C>T (p.Pro632Leu)

Gene: SLC25A13 (solute carrier family 25 member 13; minus strand). Cytogenetic location: 7q21.3.
Variant type: single nucleotide variant.
Coding change: c.1895C>T on transcript NM_014251.3 (MANE Select); coding-DNA position 1895, C replaced by T.
Protein change: p.Pro632Leu; replaces proline 632 with leucine.
Molecular consequence: missense variant. On other transcripts: non-coding transcript variant (1).
Genome position (GRCh38, 1-based): chr7:96,121,324, G>A on the plus strand (C>T on the coding strand, the complement: SLC25A13 is on the minus strand). VCF-style: chr7-96121324-G-A. GRCh37 (hg19) VCF-style: chr7-95750636-G-A.
Other names: c.1895C>T (NM_014251.2); c.1898C>T, p.Pro633Leu (NM_001160210.2); short protein forms P633L, P632L.
Identifiers: ClinVar variation 2069205 (VCV002069205.2), dbSNP rs573420716, ClinGen allele CA4352749.

ClinVar aggregate classification (germline): Uncertain significance. Review status: criteria provided, multiple submitters, no conflicts (2 of 4 stars). 2 submissions from 2 submitters: Uncertain significance (2). Last evaluated 2025-12-19.

Conditions:
SLC25A13-related disorder. Also called: SLC25A13-related condition.
Citrin deficiency. Identifiers: Orphanet 247582, MedGen C1997910, MONDO:0016602.

Allele frequency attached by ClinVar (database versions not stated): TOPMed 0.00003; gnomAD 0.00005; ExAC 0.00007; gnomAD exomes 0.00011; 1000 Genomes Project 30x 0.00016; 1000 Genomes Project 0.00020.
gnomAD v4.1: 157 of 1,614,126 alleles (0.0097%); highest among the groups gnomAD compares: South Asian, 0.026%; no homozygotes.

Submissions (2):

PreventionGenetics, part of Exact Sciences
Classification: Uncertain significance for SLC25A13-related condition. Last evaluated: 2025-12-19. Review status: criteria provided, single submitter. Criteria: ACMG Guidelines, 2015. Collection method: clinical testing. Allele origin: germline.
Comment: The SLC25A13 c.1895C>T variant is predicted to result in the amino acid substitution p.Pro632Leu. This variant has been reported in individuals with citrin deficiency (Tabata et al. 2008. PubMed ID: 18392553; unpublished data, see Table 1 notes in Kobayashi et al. 2003. PubMed ID: 14680984). In one individual, this variant was found to be in cis with a pathogenic protein truncating SLC25A13 variant (patient P577 in Tabata et al. 2008. PubMed ID: 18392553). Functional studies in yeast determined the p.Pro632Leu change did not alter protein function (Wongkittichote et al. 2012. PubMed ID: 23053473). This variant is reported in 0.023% of alleles in individuals of South Asian descent in gnomAD. At this time, the clinical significance of this variant is uncertain due to the absence of conclusive functional and genetic evidence.

Labcorp Genetics (formerly Invitae), Labcorp
Classification: Uncertain significance for Citrin deficiency. Last evaluated: 2021-12-30. Review status: criteria provided, single submitter. Criteria: Invitae Variant Classification Sherloc (09022015). Collection method: clinical testing. Allele origin: germline.
Comment: This sequence change replaces proline, which is neutral and non-polar, with leucine, which is neutral and non-polar, at codon 632 of the SLC25A13 protein (p.Pro632Leu). This variant is present in population databases (rs573420716, gnomAD 0.02%). This missense change has been observed in individual(s) with citrin deficiency (PMID: 14680984, 18392553). Advanced modeling of protein sequence and biophysical properties (such as structural, functional, and spatial information, amino acid conservation, physicochemical variation, residue mobility, and thermodynamic stability) performed at Invitae indicates that this missense variant is not expected to disrupt SLC25A13 protein function. Experimental studies have shown that this missense change does not substantially affect SLC25A13 function (PMID: 23053473). In summary, the available evidence is currently insufficient to determine the role of this variant in disease. Therefore, it has been classified as a Variant of Uncertain Significance.

Literature cited by the submitters: PubMed 14680984 (cited by Labcorp Genetics (formerly Invitae), Labcorp); PubMed 18392553 (cited by Labcorp Genetics (formerly Invitae), Labcorp); PubMed 23053473 (cited by Labcorp Genetics (formerly Invitae), Labcorp).